The following is an entry in ClinVar:

NM_004655.4(AXIN2):c.323dup (p.Leu108fs)

Gene: AXIN2 (axin 2; minus strand). Cytogenetic location: 17q24.1.
Variant type: Duplication.
Coding change: c.323dup on transcript NM_004655.4 (MANE Select); coding-DNA position 323, one base duplicated (T; older notation c.323dupT).
Protein change: p.Leu108fs; shifts the reading frame from leucine 108.
Molecular consequence: frameshift variant.
Genome position (GRCh38, 1-based): chr17:65,558,298, A duplicated on the plus strand (T on the coding strand, the reverse complement: AXIN2 is on the minus strand); the first of 2 consecutive A bases (chr17:65,558,298-65,558,299); duplicating either gives the same sequence. VCF-style (leftmost placement, unchanged base first): chr17-65558297-T-TA. GRCh37 (hg19) VCF-style: chr17-63554415-T-TA.
Other names: c.323dup, p.Leu108fs (NM_001363813.1); c.323dupT (NM_004655.3); short protein forms L108fs.
Identifiers: ClinVar variation 1729278 (VCV001729278.4), dbSNP rs2144587960, ClinGen allele CA2580095115.

ClinVar aggregate classification (germline): Pathogenic. Review status: criteria provided, multiple submitters, no conflicts (2 of 4 stars). 2 submissions from 2 submitters: Pathogenic (2). Last evaluated 2023-05-17.

Conditions:
Hereditary cancer-predisposing syndrome. Also called: Tumor predisposition; Neoplastic Syndromes, Hereditary; Hereditary Cancer Syndrome; Hereditary neoplastic syndrome. Identifiers: Orphanet 140162, MedGen C0027672, MeSH D009386, MONDO:0015356.
Oligodontia-cancer predisposition syndrome. Also called: TOOTH AGENESIS-COLORECTAL CANCER SYNDROME. Identifiers: Orphanet 300576, MedGen C1837750, MONDO:0012075, OMIM 608615. Disease mechanism: loss of function.

Submissions (2):

Myriad Genetics, Inc.
Classification: Pathogenic for Oligodontia-cancer predisposition syndrome. Last evaluated: 2023-05-17. Review status: criteria provided, single submitter. Criteria: Myriad Autosomal Dominant, Autosomal Recessive and X-Linked Classification Criteria (2023). Collection method: clinical testing. Allele origin: unknown.
Comment: This variant is considered pathogenic. This variant creates a frameshift predicted to result in premature protein truncation.

Ambry Genetics
Classification: Pathogenic for Hereditary cancer-predisposing syndrome. Last evaluated: 2021-08-06. Review status: criteria provided, single submitter. Criteria: Ambry Variant Classification Scheme 2023. Collection method: clinical testing. Allele origin: germline.
Comment: The c.323dupT pathogenic mutation, located in coding exon 1 of the AXIN2 gene, results from a duplication of T at nucleotide position 323, causing a translational frameshift with a predicted alternate stop codon (p.L108Ffs*33). This variant is considered to be rare based on population cohorts in the Genome Aggregation Database (gnomAD). This alteration is expected to result in loss of function by premature protein truncation or nonsense-mediated mRNA decay. As such, this alteration is interpreted as a disease-causing mutation.